The following is an entry in ClinVar:

ClinVar aggregate classification (germline): Uncertain significance (1 of 4 stars; one submission).

Submission:

GeneDx
Classification: Uncertain significance. Last evaluated: 2024-05-06. Review status: criteria provided, single submitter. Criteria: GeneDx Variant Classification Process June 2021. Collection method: clinical testing. Allele origin: germline. Affected: yes.
Comment: Not observed at significant frequency in large population cohorts (gnomAD); In silico analysis indicates that this missense variant does not alter protein structure/function; Has not been previously published as pathogenic or benign to our knowledge

NM_031407.7(HUWE1):c.7891C>G (p.Gln2631Glu)

Gene: HUWE1 (HECT, UBA and WWE domain containing E3 ubiquitin protein ligase 1; minus strand). Cytogenetic location: Xp11.22.
Variant type: single nucleotide variant.
Coding change: c.7891C>G on transcript NM_031407.7 (MANE Select); coding-DNA position 7891, C replaced by G.
Protein change: p.Gln2631Glu; replaces glutamine 2631 with glutamic acid.
Molecular consequence: missense variant.
Genome position (GRCh38, 1-based): chrX:53,559,378, G>C on the plus strand (C>G on the coding strand, the complement: HUWE1 is on the minus strand). VCF-style: chrX-53559378-G-C. GRCh37 (hg19) VCF-style: chrX-53586339-G-C.
Other names: short protein forms Q2631E.
Identifiers: ClinVar variation 3376095 (VCV003376095.1).